The following is an entry in ClinVar:

NM_001386795.1(DTNA):c.363-102A>G

Gene: DTNA (dystrobrevin alpha; plus strand). Cytogenetic location: 18q12.1.
Variant type: single nucleotide variant.
Coding change: c.363-102A>G on transcript NM_001386795.1 (MANE Select); 102 bases into the intron before coding-DNA position 363, A replaced by G.
Molecular consequence: intron variant.
Genome position (GRCh38, 1-based): chr18:34,806,117, A>G. VCF-style: chr18-34806117-A-G. GRCh37 (hg19) VCF-style: chr18-32386081-A-G.
Other names: c.363-102A>G (NM_032975.4, NM_001386761.1, NM_001386762.1 and 35 more transcripts).
Identifiers: ClinVar variation 671294 (VCV000671294.2), dbSNP rs11664422, ClinGen allele CA298589313.

ClinVar aggregate classification (germline): Benign. Review status: criteria provided, multiple submitters, no conflicts (2 of 4 stars). 2 submissions from 2 submitters: Benign (2). Last evaluated 2018-06-16.

Allele frequency attached by ClinVar (database versions not stated): gnomAD exomes 0.11234; 1000 Genomes Project 0.15256; 1000 Genomes Project 30x 0.16177; gnomAD 0.17436 and 0.18124; TOPMed 0.17696.
gnomAD v4.1: 121,456 of 997,868 alleles (12%); highest among the groups gnomAD compares: African/African-American, 35%; 9,630 homozygotes.

Submissions (2):

GeneDx
Classification: Benign. Last evaluated: 2018-06-16. Review status: criteria provided, single submitter. Criteria: GeneDx Variant Classification (06012015). Collection method: clinical testing. Allele origin: germline. Affected: yes.
Comment: This variant is considered likely benign or benign based on one or more of the following criteria: it is a conservative change, it occurs at a poorly conserved position in the protein, it is predicted to be benign by multiple in silico algorithms, and/or has population frequency not consistent with disease.

Breakthrough Genomics
Classification: Benign. Review status: criteria provided, single submitter. Criteria: ACMG Guidelines, 2015. Collection method: not provided. Allele origin: germline. Inheritance: Autosomal dominant inheritance. Affected: yes.